The following is an entry in ClinVar:

ClinVar aggregate classification (germline): Uncertain significance. Review status: criteria provided, multiple submitters, no conflicts (2 of 4 stars). 2 submissions from 2 submitters: Uncertain significance (2). Last evaluated 2025-06-09.

Conditions:
Short-rib thoracic dysplasia 13 with or without polydactyly (SRTD13). Identifiers: Orphanet 474, MedGen C4225378, MONDO:0014577, OMIM 616300.

Allele frequency attached by ClinVar (database versions not stated): gnomAD 0.00001 and 0.00003; gnomAD exomes 0.00002 and 0.00005; ExAC 0.00005; 1000 Genomes Project 30x 0.00031; 1000 Genomes Project 0.00040.
gnomAD v4.1: 34 of 1,610,546 alleles (0.0021%); highest among the groups gnomAD compares: Non-Finnish European, 0.0024%; no homozygotes.

Submissions (2):

Labcorp Genetics (formerly Invitae), Labcorp
Classification: Uncertain significance for Short-rib thoracic dysplasia 13 with or without polydactyly. Last evaluated: 2025-06-09. Review status: criteria provided, single submitter. Criteria: Invitae Variant Classification Sherloc (09022015). Collection method: clinical testing. Allele origin: germline.
Comment: This sequence change replaces glutamic acid, which is acidic and polar, with glycine, which is neutral and non-polar, at codon 778 of the CEP120 protein (p.Glu778Gly). This variant is present in population databases (rs200477463, gnomAD 0.03%). This variant has not been reported in the literature in individuals affected with CEP120-related conditions. ClinVar contains an entry for this variant (Variation ID: 1056039). Invitae Evidence Modeling of protein sequence and biophysical properties (such as structural, functional, and spatial information, amino acid conservation, physicochemical variation, residue mobility, and thermodynamic stability) indicates that this missense variant is not expected to disrupt CEP120 protein function with a negative predictive value of 80%. In summary, the available evidence is currently insufficient to determine the role of this variant in disease. Therefore, it has been classified as a Variant of Uncertain Significance.

GeneDx
Classification: Uncertain significance. Last evaluated: 2024-06-27. Review status: criteria provided, single submitter. Criteria: GeneDx Variant Classification Process June 2021. Collection method: clinical testing. Allele origin: germline. Affected: yes.
Comment: In silico analysis supports that this missense variant has a deleterious effect on protein structure/function; Has not been previously published as pathogenic or benign to our knowledge

NM_001375405.1(CEP120):c.2333A>G (p.Glu778Gly)

Gene: CEP120 (centrosomal protein 120; minus strand). Cytogenetic location: 5q23.2.
Variant type: single nucleotide variant.
Coding change: c.2333A>G on transcript NM_001375405.1 (MANE Select); coding-DNA position 2333, A replaced by G.
Protein change: p.Glu778Gly; replaces glutamic acid 778 with glycine.
Molecular consequence: missense variant. On other transcripts: non-coding transcript variant (1).
Genome position (GRCh38, 1-based): chr5:123,377,399, T>C on the plus strand (A>G on the coding strand, the complement: CEP120 is on the minus strand). VCF-style: chr5-123377399-T-C. GRCh37 (hg19) VCF-style: chr5-122713093-T-C.
Other names: c.2255A>G, p.Glu752Gly (NM_001166226.2); c.2198A>G, p.Glu733Gly (NM_001375406.1); c.2333A>G, p.Glu778Gly (NM_001375407.1, NM_153223.4); c.1760A>G, p.Glu587Gly (NM_001375408.1, NM_001375409.1); c.2333A>G (NM_153223.3); short protein forms E587G, E733G, E752G, E778G.
Identifiers: ClinVar variation 1056039 (VCV001056039.9), dbSNP rs200477463, ClinGen allele CA3386661.